The following is an entry in ClinVar:

NM_003743.5(NCOA1):c.1134T>A (p.Asn378Lys)

Gene: NCOA1 (nuclear receptor coactivator 1; plus strand). Cytogenetic location: 2p23.3.
Variant type: single nucleotide variant.
Coding change: c.1134T>A on transcript NM_003743.5 (MANE Select); coding-DNA position 1134, T replaced by A.
Protein change: p.Asn378Lys; replaces asparagine 378 with lysine.
Molecular consequence: missense variant.
Genome position (GRCh38, 1-based): chr2:24,706,604, T>A. VCF-style: chr2-24706604-T-A. GRCh37 (hg19) VCF-style: chr2-24929473-T-A.
Other names: c.1134T>A, p.Asn378Lys (NM_001362950.1, NM_001362952.1, NM_001362954.1 and 3 more transcripts); short protein forms N378K.
Identifiers: ClinVar variation 2629433 (VCV002629433.4), dbSNP rs1015634733, ClinGen allele CA43628078.

ClinVar aggregate classification (germline): Uncertain significance. Review status: criteria provided, single submitter (1 of 4 stars). 2 submissions from 2 submitters: Uncertain significance (1). 1 of the submissions does not count toward it. Last evaluated 2023-03-13.

Conditions:
NCOA1-related disorder. Also called: NCOA1-related condition.

Allele frequency attached by ClinVar (database versions not stated): gnomAD 0.00001; TOPMed 0.00002; gnomAD exomes 0.00005.
gnomAD v4.1: 72 of 1,613,822 alleles (0.0045%); highest among the groups gnomAD compares: Non-Finnish European, 0.0061%; no homozygotes.

Submissions (2):

Ambry Genetics
Classification: Uncertain significance. Last evaluated: 2023-03-13. Review status: criteria provided, single submitter. Criteria: Ambry Variant Classification Scheme 2023. Collection method: clinical testing. Allele origin: germline.

PreventionGenetics, part of Exact Sciences
Classification: Uncertain significance for NCOA1-related condition. Last evaluated: 2024-01-25. Review status: no assertion criteria provided. Collection method: clinical testing. Allele origin: germline. Not counted in ClinVar's aggregate classification.
Comment: The NCOA1 c.1134T>A variant is predicted to result in the amino acid substitution p.Asn378Lys. This variant was reported in an individual from a large cohort with severe obesity; however, no additional evidence was provided to support causation (Cacciottolo et al. 2022. PMID: 35137184). This variant is reported in 0.0044% of alleles in individuals of European (Non-Finnish) descent in gnomAD. At this time, the clinical significance of this variant is uncertain due to the absence of conclusive functional and genetic evidence.